The following is an entry in ClinVar:

ClinVar aggregate classification (germline): Uncertain significance (1 of 4 stars; one submission).

gnomAD v4.1: 13 of 1,172,030 alleles (0.0011%); highest among the groups gnomAD compares: Non-Finnish European, 0.0015%; no homozygotes.

Submission:

Labcorp Genetics (formerly Invitae), Labcorp
Classification: Uncertain significance. Last evaluated: 2026-01-19. Review status: criteria provided, single submitter. Criteria: Invitae Variant Classification Sherloc (09022015). Collection method: clinical testing. Allele origin: germline.
Comment: This sequence change falls in intron 9 of the ALAS2 gene. It does not directly change the encoded amino acid sequence of the ALAS2 protein. It affects a nucleotide within the consensus splice site. This variant is not present in population databases (gnomAD no frequency). This variant has not been reported in the literature in individuals affected with ALAS2-related conditions. Variants that disrupt the consensus splice site are a relatively common cause of aberrant splicing (PMID: 17576681, 9536098). Algorithms developed to predict the effect of sequence changes on RNA splicing suggest that this variant is not likely to affect RNA splicing. In summary, the available evidence is currently insufficient to determine the role of this variant in disease. Therefore, it has been classified as a Variant of Uncertain Significance.

Literature cited by the submitters: PubMed 17576681; PubMed 9536098.

NM_000032.5(ALAS2):c.1437+3G>A

Gene: ALAS2 (5'-aminolevulinate synthase 2; minus strand). Cytogenetic location: Xp11.21.
Variant type: single nucleotide variant.
Coding change: c.1437+3G>A on transcript NM_000032.5 (MANE Select); 3 bases into the intron after coding-DNA position 1437, G replaced by A.
Molecular consequence: intron variant.
Genome position (GRCh38, 1-based): chrX:55,014,744, C>T on the plus strand (G>A on the coding strand, the complement: ALAS2 is on the minus strand). VCF-style: chrX-55014744-C-T. GRCh37 (hg19) VCF-style: chrX-55041177-C-T.
Other names: c.1326+3G>A (NM_001037967.4); c.1398+3G>A (NM_001037968.4).
Identifiers: ClinVar variation 4698599 (VCV004698599.1).
Genomic context (GRCh38, chrX:55,014,744, plus strand): 5'-TGGGAGCGTGAGGCTCCCAGAATAAATAGGTGGAGAGGGCAATGGGCATGGTGGGGCTCT[C>T]ACCCGGATGGGGATGATGTGGCTGGGGCAGGGGATGACAGGAAGGCCCCTGTCCATGAGT-3'